The following is an entry in ClinVar:

ClinVar aggregate classification (germline): Benign. Review status: criteria provided, multiple submitters, no conflicts (2 of 4 stars). 3 submissions from 3 submitters: Benign (3). Last evaluated 2026-02-02.

Allele frequency attached by ClinVar (database versions not stated): gnomAD exomes 0.00065 and 0.00169; 1000 Genomes Project 0.00639; gnomAD 0.00676 and 0.00623; TOPMed 0.00720; ESP Exome Variant Server 0.00761; ExAC 0.00212; 1000 Genomes Project 30x 0.00750.
gnomAD v4.1: 1,936 of 1,612,804 alleles (0.12%); highest among the groups gnomAD compares: African/African-American, 2.1%; 20 homozygotes.

Submissions (3):

Labcorp Genetics (formerly Invitae), Labcorp
Classification: Benign. Last evaluated: 2026-02-02. Review status: criteria provided, single submitter. Criteria: Invitae Variant Classification Sherloc (09022015). Collection method: clinical testing. Allele origin: germline.

GeneDx
Classification: Benign. Last evaluated: 2016-11-11. Review status: criteria provided, single submitter. Criteria: GeneDx Variant Classification (06012015). Collection method: clinical testing. Allele origin: germline. Affected: yes.
Comment: This variant is considered likely benign or benign based on one or more of the following criteria: it is a conservative change, it occurs at a poorly conserved position in the protein, it is predicted to be benign by multiple in silico algorithms, and/or has population frequency not consistent with disease.

Laboratory for Molecular Medicine, Mass General Brigham Personalized Medicine
Classification: Benign. Last evaluated: 2014-11-24. Review status: criteria provided, single submitter. Criteria: LMM Criteria. Collection method: clinical testing. Allele origin: germline. Observed: 3 variant alleles.
Comment: Thr399Thr in exon 5 of CHRM2: This variant is not expected to have clinical sign ificance because it does not alter an amino acid residue and is not located with in the splice consensus sequence. It has been identified in 2.2% (95/4406) of Af rican American chromosomes from a broad population by the NHLBI Exome Sequencing Project (dbSNP rs34586275).

NM_001006630.2(CHRM2):c.1197T>C (p.Thr399=)

Genes: CHRM2 (cholinergic receptor muscarinic 2; plus strand), LOC349160 (uncharacterized LOC349160; minus strand). Cytogenetic location: 7q33.
Variant type: single nucleotide variant.
Coding change: c.1197T>C on transcript NM_001006630.2 (MANE Select); coding-DNA position 1197, T replaced by C.
Protein change: p.Thr399=; no amino-acid change (threonine 399 retained).
Molecular consequence: synonymous variant.
Genome position (GRCh38, 1-based): chr7:137,016,062, T>C. VCF-style: chr7-137016062-T-C. GRCh37 (hg19) VCF-style: chr7-136700809-T-C.
Other names: c.1197T>C, p.Thr399= (NM_000739.3, NM_001006626.3, NM_001006627.3 and 6 more transcripts).
Identifiers: ClinVar variation 226514 (VCV000226514.17), dbSNP rs34586275, ClinGen allele CA4500630.